The following is an entry in ClinVar:

ClinVar aggregate classification (germline): Uncertain significance (1 of 4 stars; one submission).

Conditions:
Hereditary nonpolyposis colorectal neoplasms. Identifiers: MedGen C0009405, MeSH D003123.

Submission:

Labcorp Genetics (formerly Invitae), Labcorp
Classification: Uncertain significance for Hereditary nonpolyposis colorectal neoplasms. Last evaluated: 2020-12-25. Review status: criteria provided, single submitter. Criteria: Invitae Variant Classification Sherloc (09022015). Collection method: clinical testing. Allele origin: germline.
Comment: This sequence change replaces glutamic acid with aspartic acid at codon 1359 of the MSH6 protein (p.Glu1359Asp). The glutamic acid residue is weakly conserved and there is a small physicochemical difference between glutamic acid and aspartic acid. This variant is not present in population databases (ExAC no frequency). This variant has not been reported in the literature in individuals with MSH6-related conditions. Advanced modeling of protein sequence and biophysical properties (such as structural, functional, and spatial information, amino acid conservation, physicochemical variation, residue mobility, and thermodynamic stability) performed at Invitae indicates that this missense variant is not expected to disrupt MSH6 protein function. In summary, the available evidence is currently insufficient to determine the role of this variant in disease. Therefore, it has been classified as a Variant of Uncertain Significance.

NM_000179.3(MSH6):c.4077A>T (p.Glu1359Asp)

Gene: MSH6 (mutS homolog 6; plus strand). Cytogenetic location: 2p16.3.
Variant type: single nucleotide variant.
Coding change: c.4077A>T on transcript NM_000179.3 (MANE Select); coding-DNA position 4077, A replaced by T.
Protein change: p.Glu1359Asp; replaces glutamic acid 1359 with aspartic acid.
Molecular consequence: missense variant.
Genome position (GRCh38, 1-based): chr2:47,806,854, A>T. VCF-style: chr2-47806854-A-T. GRCh37 (hg19) VCF-style: chr2-48033993-A-T.
Other names: c.3687A>T, p.Glu1229Asp (NM_001281492.2); c.3171A>T, p.Glu1057Asp (NM_001281493.2, NM_001281494.2); short protein forms E1359D, E1057D, E1229D.
Identifiers: ClinVar variation 1468646 (VCV001468646.8), dbSNP rs2104586029, ClinGen allele CA346761768.
Genomic context (GRCh38, chr2:47,806,854, plus strand): 5'-TAGTGAAAGGTCAACTGTAGATGCTGAAGCTGTCCATAAATTGCTGACTTTGATTAAGGA[A>T]TTATAGACTGACTACATTGGAAGCTTTGAGTTGACTTCTGACAAAGGTGGTAAATTCAGA-3'
Protein context (NP_000170.1, residues 1349-1360): AVHKLLTLIK[Glu1359Asp]L